The following is an entry in ClinVar:

NM_000465.4(BARD1):c.2061A>G (p.Pro687=)

Gene: BARD1 (BRCA1 associated RING domain 1; minus strand). Cytogenetic location: 2q35.
Variant type: single nucleotide variant.
Coding change: c.2061A>G on transcript NM_000465.4 (MANE Select); coding-DNA position 2061, A replaced by G.
Protein change: p.Pro687=; no amino-acid change (proline 687 retained).
Molecular consequence: synonymous variant. On other transcripts: non-coding transcript variant (3).
Genome position (GRCh38, 1-based): chr2:214,728,949, T>C on the plus strand (A>G on the coding strand, the complement: BARD1 is on the minus strand). VCF-style: chr2-214728949-T-C. GRCh37 (hg19) VCF-style: chr2-215593673-T-C.
Other names: c.2004A>G, p.Pro668= (NM_001282543.2); c.708A>G, p.Pro236= (NM_001282545.2); c.651A>G, p.Pro217= (NM_001282548.2); c.522A>G, p.Pro174= (NM_001282549.2).
Identifiers: ClinVar variation 1785230 (VCV001785230.8), dbSNP rs750597867, ClinGen allele CA2090079.

ClinVar aggregate classification (germline): Benign/Likely benign. Review status: criteria provided, multiple submitters, no conflicts (2 of 4 stars). 3 submissions from 3 submitters: Benign (1); Likely benign (2). Last evaluated 2024-07-29.

Conditions:
Hereditary cancer-predisposing syndrome. Also called: Neoplastic Syndromes, Hereditary; Tumor predisposition; Hereditary Cancer Syndrome; Hereditary neoplastic syndrome. Identifiers: Orphanet 140162, MedGen C0027672, MeSH D009386, MONDO:0015356.
Familial cancer of breast. Also called: BREAST CANCER, FAMILIAL; Hereditary breast cancer; hereditary breast carcinoma. Identifiers: Orphanet 227535, MedGen C0346153, MONDO:0016419, OMIM 114480. Disease mechanism: loss of function.

Allele frequency attached by ClinVar (database versions not stated): TOPMed below 0.00001; ExAC 0.00001.
gnomAD v4.1: 2 of 1,614,216 alleles (0.00012%); no homozygotes.

Submissions (3):

Myriad Genetics, Inc.
Classification: Benign for Familial cancer of breast. Last evaluated: 2024-07-29. Review status: criteria provided, single submitter. Criteria: Myriad Autosomal Dominant, Autosomal Recessive and X-Linked Classification Criteria (2023). Collection method: clinical testing. Allele origin: unknown.
Comment: This variant is considered benign. This variant is a silent/synonymous amino acid change and it is not expected to impact splicing.

Labcorp Genetics (formerly Invitae), Labcorp
Classification: Likely benign for Familial cancer of breast. Last evaluated: 2022-10-26. Review status: criteria provided, single submitter. Criteria: Invitae Variant Classification Sherloc (09022015). Collection method: clinical testing. Allele origin: germline.

Ambry Genetics
Classification: Likely benign for Hereditary cancer-predisposing syndrome. Last evaluated: 2022-01-10. Review status: criteria provided, single submitter. Criteria: Ambry Variant Classification Scheme 2023. Collection method: clinical testing. Allele origin: germline.